The following is an entry in ClinVar:

ClinVar aggregate classification (germline): Uncertain significance (1 of 4 stars; one submission).

Submission:

GeneDx
Classification: Uncertain significance. Last evaluated: 2023-06-13. Review status: criteria provided, single submitter. Criteria: GeneDx Variant Classification Process June 2021. Collection method: clinical testing. Allele origin: germline. Affected: yes.
Comment: Has not been previously published as pathogenic or benign to our knowledge; Not observed at significant frequency in large population cohorts (gnomAD); In silico analysis supports that this missense variant has a deleterious effect on protein structure/function

NM_004370.6(COL12A1):c.8330G>T (p.Gly2777Val)

Gene: COL12A1 (collagen type XII alpha 1 chain; minus strand). Cytogenetic location: 6q13.
Variant type: single nucleotide variant.
Coding change: c.8330G>T on transcript NM_004370.6 (MANE Select); coding-DNA position 8330, G replaced by T.
Protein change: p.Gly2777Val; replaces glycine 2777 with valine.
Molecular consequence: missense variant.
Genome position (GRCh38, 1-based): chr6:75,102,682, C>A on the plus strand (G>T on the coding strand, the complement: COL12A1 is on the minus strand). VCF-style: chr6-75102682-C-A. GRCh37 (hg19) VCF-style: chr6-75812398-C-A.
Other names: c.8330G>T, p.Gly2777Val (NM_001424113.1); c.8309G>T, p.Gly2770Val (NM_001424114.1); c.8057G>T, p.Gly2686Val (NM_001424115.1); c.4838G>T, p.Gly1613Val (NM_001424116.1, NM_080645.3); short protein forms G1613V, G2686V, G2770V, G2777V.
Identifiers: ClinVar variation 3359882 (VCV003359882.1).